The following is an entry in ClinVar:

NM_005076.5(CNTN2):c.1142G>A (p.Arg381Gln)

Gene: CNTN2 (contactin 2; plus strand). Cytogenetic location: 1q32.1.
Variant type: single nucleotide variant.
Coding change: c.1142G>A on transcript NM_005076.5 (MANE Select); coding-DNA position 1142, G replaced by A.
Protein change: p.Arg381Gln; replaces arginine 381 with glutamine.
Molecular consequence: missense variant. On other transcripts: non-coding transcript variant (1).
Genome position (GRCh38, 1-based): chr1:205,062,471, G>A. VCF-style: chr1-205062471-G-A. GRCh37 (hg19) VCF-style: chr1-205031599-G-A.
Other names: c.1142G>A, p.Arg381Gln (NM_001346083.2); short protein forms R381Q.
Identifiers: ClinVar variation 1056250 (VCV001056250.4), dbSNP rs749478140, ClinGen allele CA1351289.

ClinVar aggregate classification (germline): Uncertain significance (1 of 4 stars; one submission).

Conditions:
Epilepsy, familial adult myoclonic, 5 (EPEO5). Also called: CORTICAL MYOCLONIC TREMOR WITH EPILEPSY, FAMILIAL, 5. Identifiers: Orphanet 86814, MedGen C3809374, MONDO:0014167, OMIM 615400.

Allele frequency attached by ClinVar (database versions not stated): gnomAD exomes 0.00003; TOPMed 0.00003; gnomAD 0.00001; ExAC 0.00002.

Submission:

Labcorp Genetics (formerly Invitae), Labcorp
Classification: Uncertain significance for Epilepsy, familial adult myoclonic, 5. Last evaluated: 2022-08-20. Review status: criteria provided, single submitter. Criteria: Invitae Variant Classification Sherloc (09022015). Collection method: clinical testing. Allele origin: germline.
Comment: This sequence change replaces arginine, which is basic and polar, with glutamine, which is neutral and polar, at codon 381 of the CNTN2 protein (p.Arg381Gln). This variant is present in population databases (rs749478140, gnomAD 0.02%). This variant has not been reported in the literature in individuals affected with CNTN2-related conditions. ClinVar contains an entry for this variant (Variation ID: 1056250). Advanced modeling of protein sequence and biophysical properties (such as structural, functional, and spatial information, amino acid conservation, physicochemical variation, residue mobility, and thermodynamic stability) performed at Invitae indicates that this missense variant is not expected to disrupt CNTN2 protein function. Algorithms developed to predict the effect of sequence changes on RNA splicing suggest that this variant may create or strengthen a splice site. In summary, the available evidence is currently insufficient to determine the role of this variant in disease. Therefore, it has been classified as a Variant of Uncertain Significance.